The following is an entry in ClinVar:

ClinVar aggregate classification (germline): Pathogenic (1 of 4 stars; one submission).

Submission:

Labcorp Genetics (formerly Invitae), Labcorp
Classification: Pathogenic. Last evaluated: 2022-01-12. Review status: criteria provided, single submitter. Criteria: Invitae Variant Classification Sherloc (09022015). Collection method: clinical testing. Allele origin: germline.
Comment: For these reasons, this variant has been classified as Pathogenic. This variant has not been reported in the literature in individuals affected with KCNV2-related conditions. This variant is not present in population databases (gnomAD no frequency). This sequence change creates a premature translational stop signal (p.Ala261Profs*61) in the KCNV2 gene. It is expected to result in an absent or disrupted protein product. Loss-of-function variants in KCNV2 are known to be pathogenic (PMID: 16909397, 18235024).

Literature cited by the submitters: PubMed 16909397; PubMed 18235024.

NM_133497.4(KCNV2):c.781del (p.Ala261fs)

Gene: KCNV2 (potassium voltage-gated channel modifier subfamily V member 2; plus strand). Cytogenetic location: 9p24.2.
Variant type: Deletion.
Coding change: c.781del on transcript NM_133497.4 (MANE Select); coding-DNA position 781, one base deleted (G; older notation c.781delG).
Protein change: p.Ala261fs; shifts the reading frame from alanine 261.
Molecular consequence: frameshift variant.
Genome position (GRCh38, 1-based): chr9:2,718,520, G deleted; the last of 2 consecutive G bases (chr9:2,718,519-2,718,520); deleting either gives the same sequence. VCF-style (leftmost placement, unchanged base first): chr9-2718518-AG-A. GRCh37 (hg19) VCF-style: chr9-2718518-AG-A.
Other names: short protein forms A261fs.
Identifiers: ClinVar variation 1442966 (VCV001442966.6), dbSNP rs2130861209, ClinGen allele CA2573144440.